The following is an entry in ClinVar:

NM_138422.4(ADAT3):c.875C>T (p.Pro292Leu)

Genes: ADAT3 (adenosine deaminase tRNA specific 3; plus strand), SCAMP4 (secretory carrier membrane protein 4; plus strand). Cytogenetic location: 19p13.3.
Variant type: single nucleotide variant.
Coding change: c.875C>T on transcript NM_138422.4 (MANE Select); coding-DNA position 875, C replaced by T.
Protein change: p.Pro292Leu; replaces proline 292 with leucine.
Molecular consequence: missense variant. On other transcripts: intron variant (3).
Genome position (GRCh38, 1-based): chr19:1,912,922, C>T. VCF-style: chr19-1912922-C-T. GRCh37 (hg19) VCF-style: chr19-1912921-C-T.
Other names: c.827C>T (NM_138422.1); c.827C>T, p.Pro276Leu (NM_001329533.2); c.-41-2057C>T (NM_079834.4, NM_001329540.2); c.-125-4772C>T (NM_001329539.2); short protein forms P276L, P292L.
Identifiers: ClinVar variation 1709098 (VCV001709098.3), dbSNP rs376020426, ClinGen allele CA9054643.
Genomic context (GRCh38, chr19:1,912,922, plus strand): 5'-CCCCCCAGGCCGTCCGCGCAGGCGCCGTGCGTAAACTGGACGCAGACGAGGACGGCCTCC[C>T]CTACCTGTGCACTGGCTACGACCTGTACGTGACCCGCGAGCCCTGCGCCATGTGCGCCAT-3'
Protein context (NP_612431.2, residues 282-302): RKLDADEDGL[Pro292Leu]YLCTGYDLYV

ClinVar aggregate classification (germline): Uncertain significance. Review status: criteria provided, multiple submitters, no conflicts (2 of 4 stars). 2 submissions from 2 submitters: Uncertain significance (2). Last evaluated 2023-12-19.

Conditions:
Inborn genetic diseases. Identifiers: MedGen C0950123, MeSH D030342.
Intellectual disability-strabismus syndrome (NEDBGF). Also called: NEURODEVELOPMENTAL DISORDER WITH BRAIN ABNORMALITIES, POOR GROWTH, AND DYSMORPHIC FACIES. Identifiers: Orphanet 363528, MedGen C4750838, MONDO:0014119, OMIM 615286.

Allele frequency attached by ClinVar (database versions not stated): gnomAD exomes below 0.00001; ExAC 0.00001; gnomAD 0.00001; TOPMed 0.00002; ESP Exome Variant Server 0.00008.
gnomAD v4.1: 4 of 1,610,028 alleles (0.00025%); highest among the groups gnomAD compares: African/African-American, 0.0013%; no homozygotes.

Submissions (2):

Ambry Genetics
Classification: Uncertain significance for Inborn genetic diseases. Last evaluated: 2023-12-19. Review status: criteria provided, single submitter. Criteria: Ambry Variant Classification Scheme 2023. Collection method: clinical testing. Allele origin: germline.

MGZ Medical Genetics Center
Classification: Uncertain significance for Intellectual disability-strabismus syndrome. Last evaluated: 2022-01-20. Review status: criteria provided, single submitter. Criteria: ACMG Guidelines, 2015. Collection method: clinical testing. Allele origin: germline. Affected: yes. Observed: 1 variant allele.
Comment: ACMG criteria applied: PM2_SUP